The following is an entry in ClinVar:

NM_000069.3(CACNA1S):c.114C>T (p.Asn38=)

Gene: CACNA1S (calcium voltage-gated channel subunit alpha1 S; minus strand). Cytogenetic location: 1q32.1.
Variant type: single nucleotide variant.
Coding change: c.114C>T on transcript NM_000069.3 (MANE Select); coding-DNA position 114, C replaced by T.
Protein change: p.Asn38=; no amino-acid change (asparagine 38 retained).
Molecular consequence: synonymous variant.
Genome position (GRCh38, 1-based): chr1:201,112,226, G>A on the plus strand (C>T on the coding strand, the complement: CACNA1S is on the minus strand). VCF-style: chr1-201112226-G-A. GRCh37 (hg19) VCF-style: chr1-201081354-G-A.
Identifiers: ClinVar variation 3071673 (VCV003071673.1), dbSNP rs756619964, ClinGen allele CA422697955.

ClinVar aggregate classification (germline): Likely benign (1 of 4 stars; one submission).

Conditions:
Malignant hyperthermia, susceptibility to, 5 (MHS5). Also called: CACNA1S-Related Malignant Hyperthermia Susceptibility. Identifiers: Orphanet 423, MedGen C1866077, MONDO:0011163, OMIM 601887.

gnomAD v4.1: 1 of 1,613,966 alleles (0.000062%); highest among the groups gnomAD compares: Non-Finnish European, 0.000085%; no homozygotes.

Submission:

All of Us Research Program, National Institutes of Health
Classification: Likely benign for Malignant hyperthermia, susceptibility to, 5. Last evaluated: 2023-06-08. Review status: criteria provided, single submitter. Criteria: ACMG Guidelines, 2015. Collection method: clinical testing. Allele origin: germline. Inheritance: Autosomal dominant inheritance. Observed: 1 variant allele, 1 heterozygote.
Comment: This study involves interpretation of variants in research participants for the purpose of population health screening. Participant phenotype was not available at the time of variant classification. Additional details can be found in publication PMID: 35346344, PMCID: PMC8962531